The following is an entry in ClinVar:

ClinVar aggregate classification (germline): Uncertain significance. Review status: criteria provided, multiple submitters, no conflicts (2 of 4 stars). 3 submissions from 3 submitters: Uncertain significance (3). Last evaluated 2025-10-22.

Conditions:
Inborn genetic diseases. Identifiers: MedGen C0950123, MeSH D030342.
PEX16-related disorder. Also called: PEX16-related condition.
Peroxisome biogenesis disorder. Identifiers: Orphanet 79189, MedGen C1832200, MONDO:0019234. Disease mechanism: loss of function.

Allele frequency attached by ClinVar (database versions not stated): gnomAD exomes below 0.00001; ExAC 0.00001; gnomAD 0.00001; TOPMed 0.00001.

Submissions (3):

Ambry Genetics
Classification: Uncertain significance for Inborn genetic diseases. Last evaluated: 2025-10-22. Review status: criteria provided, single submitter. Criteria: Ambry Variant Classification Scheme 2023. Collection method: clinical testing. Allele origin: germline.

PreventionGenetics, part of Exact Sciences
Classification: Uncertain significance for PEX16-related condition. Last evaluated: 2025-06-19. Review status: criteria provided, single submitter. Criteria: ACMG Guidelines, 2015. Collection method: clinical testing. Allele origin: germline.
Comment: The PEX16 c.815G>A variant is predicted to result in the amino acid substitution p.Arg272Gln. To our knowledge, this variant has not been reported in the literature. This variant has been reported in 1 heterozygous individual within the ‘other’ subpopulation in gnomAD. At this time, the clinical significance of this variant is uncertain due to the absence of conclusive functional and genetic evidence.

Labcorp Genetics (formerly Invitae), Labcorp
Classification: Uncertain significance for Peroxisome biogenesis disorder. Last evaluated: 2022-08-16. Review status: criteria provided, single submitter. Criteria: Invitae Variant Classification Sherloc (09022015). Collection method: clinical testing. Allele origin: germline.
Comment: This sequence change replaces arginine, which is basic and polar, with glutamine, which is neutral and polar, at codon 272 of the PEX16 protein (p.Arg272Gln). This variant is present in population databases (rs780754678, gnomAD 0.002%). This variant has not been reported in the literature in individuals affected with PEX16-related conditions. ClinVar contains an entry for this variant (Variation ID: 1380959). Algorithms developed to predict the effect of missense changes on protein structure and function output the following: SIFT: "Tolerated"; PolyPhen-2: "Benign"; Align-GVGD: "Class C0". The glutamine amino acid residue is found in multiple mammalian species, which suggests that this missense change does not adversely affect protein function. In summary, the available evidence is currently insufficient to determine the role of this variant in disease. Therefore, it has been classified as a Variant of Uncertain Significance.

NM_004813.4(PEX16):c.815G>A (p.Arg272Gln)

Gene: PEX16 (peroxisomal biogenesis factor 16; minus strand). Cytogenetic location: 11p11.2.
Variant type: single nucleotide variant.
Coding change: c.815G>A on transcript NM_004813.4 (MANE Select); coding-DNA position 815, G replaced by A.
Protein change: p.Arg272Gln; replaces arginine 272 with glutamine.
Molecular consequence: missense variant.
Genome position (GRCh38, 1-based): chr11:45,913,891, C>T on the plus strand (G>A on the coding strand, the complement: PEX16 is on the minus strand). VCF-style: chr11-45913891-C-T. GRCh37 (hg19) VCF-style: chr11-45935442-C-T.
Other names: c.815G>A, p.Arg272Gln (NM_057174.3); c.815G>A (NM_004813.2); short protein forms R272Q.
Identifiers: ClinVar variation 1380959 (VCV001380959.7), dbSNP rs780754678, ClinGen allele CA5959812.